The following is an entry in ClinVar:

NM_033305.3(VPS13A):c.6208A>G (p.Lys2070Glu)

Gene: VPS13A (vacuolar protein sorting 13 homolog A; plus strand). Cytogenetic location: 9q21.2.
Variant type: single nucleotide variant.
Coding change: c.6208A>G on transcript NM_033305.3 (MANE Select); coding-DNA position 6208, A replaced by G.
Protein change: p.Lys2070Glu; replaces lysine 2070 with glutamic acid.
Molecular consequence: missense variant.
Genome position (GRCh38, 1-based): chr9:77,337,367, A>G. VCF-style: chr9-77337367-A-G. GRCh37 (hg19) VCF-style: chr9-79952283-A-G.
Other names: c.6091A>G, p.Lys2031Glu (NM_001018037.2); c.6208A>G, p.Lys2070Glu (NM_001018038.3, NM_015186.4); short protein forms K2031E, K2070E.
Identifiers: ClinVar variation 2027510 (VCV002027510.4), dbSNP rs1830593641, ClinGen allele CA373848336.
Genomic context (GRCh38, chr9:77,337,367, plus strand): 5'-ATTGACTTTGAAGAGATTATAAAAAATGATGGTGCTCTTCTAAAGAAGAAATGTAGATCT[A>G]AAAACCCTTCTAAGGAATCATTTCTCATTAATATTGTTCCAGAAAAAGATAATTTAACAT-3'
Protein context (NP_150648.2, residues 2060-2080): GALLKKKCRS[Lys2070Glu]NPSKESFLIN

ClinVar aggregate classification (germline): Uncertain significance (1 of 4 stars; one submission).

Allele frequency attached by ClinVar (database versions not stated): gnomAD exomes below 0.00001; gnomAD 0.00001.
gnomAD v4.1: 2 of 1,612,556 alleles (0.00012%); highest among the groups gnomAD compares: African/African-American, 0.0013%; no homozygotes.

Submission:

Labcorp Genetics (formerly Invitae), Labcorp
Classification: Uncertain significance. Last evaluated: 2021-12-02. Review status: criteria provided, single submitter. Criteria: Invitae Variant Classification Sherloc (09022015). Collection method: clinical testing. Allele origin: germline.
Comment: This variant is not present in population databases (gnomAD no frequency). This sequence change replaces lysine, which is basic and polar, with glutamic acid, which is acidic and polar, at codon 2070 of the VPS13A protein (p.Lys2070Glu). This variant has not been reported in the literature in individuals affected with VPS13A-related conditions. Algorithms developed to predict the effect of missense changes on protein structure and function (SIFT, PolyPhen-2, Align-GVGD) all suggest that this variant is likely to be tolerated. In summary, the available evidence is currently insufficient to determine the role of this variant in disease. Therefore, it has been classified as a Variant of Uncertain Significance.